The following is an entry in ClinVar:

ClinVar aggregate classification (germline): Uncertain significance (1 of 4 stars; one submission).

Submission:

Labcorp Genetics (formerly Invitae), Labcorp
Classification: Uncertain significance. Last evaluated: 2023-08-09. Review status: criteria provided, single submitter. Criteria: Invitae Variant Classification Sherloc (09022015). Collection method: clinical testing. Allele origin: germline.
Comment: In summary, the available evidence is currently insufficient to determine the role of this variant in disease. Therefore, it has been classified as a Variant of Uncertain Significance. Advanced modeling of protein sequence and biophysical properties (such as structural, functional, and spatial information, amino acid conservation, physicochemical variation, residue mobility, and thermodynamic stability) performed at Invitae indicates that this missense variant is expected to disrupt KANK1 protein function. This variant has not been reported in the literature in individuals affected with KANK1-related conditions. This variant is present in population databases (rs150374219, gnomAD 0.007%). This sequence change replaces valine, which is neutral and non-polar, with leucine, which is neutral and non-polar, at codon 1170 of the KANK1 protein (p.Val1170Leu).

NM_015158.5(KANK1):c.3508G>T (p.Val1170Leu)

Genes: KANK1 (KN motif and ankyrin repeat domains 1; plus strand), LOC126860554 (MED14-independent group 3 enhancer GRCh37_chr9:737889-739088; plus strand). Cytogenetic location: 9p24.3.
Variant type: single nucleotide variant.
Coding change: c.3508G>T on transcript NM_015158.5 (MANE Select); coding-DNA position 3508, G replaced by T.
Protein change: p.Val1170Leu; replaces valine 1170 with leucine.
Molecular consequence: missense variant. On other transcripts: non-coding transcript variant (1).
Genome position (GRCh38, 1-based): chr9:738,459, G>T. VCF-style: chr9-738459-G-T. GRCh37 (hg19) VCF-style: chr9-738459-G-T.
Other names: c.3508G>T, p.Val1170Leu (NM_001256876.3, NM_001256877.3, NM_001354334.2); c.3268G>T, p.Val1090Leu (NM_001354331.2); c.3454G>T, p.Val1152Leu (NM_001354332.2); c.3034G>T, p.Val1012Leu (NM_001354333.2, NM_001354335.2, NM_001354337.2 and 2 more transcripts); c.2740G>T, p.Val914Leu (NM_001354336.2); c.2980G>T, p.Val994Leu (NM_001354338.2, NM_001354340.2, NM_001354344.2); c.2794G>T, p.Val932Leu (NM_001354339.2, NM_001354342.2, NM_001354343.2); short protein forms V994L, V1152L, V1012L, V914L, V932L, V1090L, V1170L.
Identifiers: ClinVar variation 2869193 (VCV002869193.3), dbSNP rs150374219, ClinGen allele CA4960981.
Genomic context (GRCh38, chr9:738,459, plus strand): 5'-GTCCTCCGCTATGTCATCAACTTGGCAGACGGCAACGGCAACACAGCCCTCCATTACAGC[G>T]TGTCCCACTCCAACTTCGAGATTGTGAAGCTGCTGTTAGATGCCGGTATGTTGGCTGCCC-3'
Protein context (NP_055973.2, residues 1160-1180): GNGNTALHYS[Val1170Leu]SHSNFEIVKL